The following is an entry in ClinVar:

ClinVar aggregate classification (germline): Likely benign (1 of 4 stars; one submission).

Allele frequency attached by ClinVar (database versions not stated): gnomAD exomes 0.00122 and 0.00311; ExAC 0.00353; 1000 Genomes Project 0.00998; 1000 Genomes Project 30x 0.01077; gnomAD 0.01219 and 0.01336; ESP Exome Variant Server 0.01328; TOPMed 0.01336.
gnomAD v4.1: 3,641 of 1,564,084 alleles (0.23%); highest among the groups gnomAD compares: African/African-American, 4.3%; 62 homozygotes.

Submission:

GeneDx
Classification: Likely benign. Last evaluated: 2018-06-16. Review status: criteria provided, single submitter. Criteria: GeneDx Variant Classification (06012015). Collection method: clinical testing. Allele origin: germline. Affected: yes.
Comment: This variant is considered likely benign or benign based on one or more of the following criteria: it is a conservative change, it occurs at a poorly conserved position in the protein, it is predicted to be benign by multiple in silico algorithms, and/or has population frequency not consistent with disease.

NM_006440.5(TXNRD2):c.1182+49C>T

Gene: TXNRD2 (thioredoxin reductase 2; minus strand). Cytogenetic location: 22q11.21.
Variant type: single nucleotide variant.
Coding change: c.1182+49C>T on transcript NM_006440.5 (MANE Select); 49 bases into the intron after coding-DNA position 1182, C replaced by T.
Molecular consequence: intron variant.
Genome position (GRCh38, 1-based): chr22:19,880,573, G>A on the plus strand (C>T on the coding strand, the complement: TXNRD2 is on the minus strand). VCF-style: chr22-19880573-G-A. GRCh37 (hg19) VCF-style: chr22-19868096-G-A.
Other names: c.1179+49C>T (NM_001352300.2); c.894+49C>T (NM_001352302.2); c.1092+49C>T (NM_001352301.2).
Identifiers: ClinVar variation 679874 (VCV000679874.1), dbSNP rs73381902, ClinGen allele CA10103760.